The following is an entry in ClinVar:

NM_000053.4(ATP7B):c.1648_1654del (p.Gly550fs)

Gene: ATP7B (ATPase copper transporting beta; minus strand). Cytogenetic location: 13q14.3.
Variant type: Deletion.
Coding change: c.1648_1654del on transcript NM_000053.4 (MANE Select); coding-DNA positions 1648 to 1654, 7 bases deleted (GGTTTTG; older notation c.1648_1654delGGTTTTG).
Protein change: p.Gly550fs; shifts the reading frame from glycine 550.
Molecular consequence: frameshift variant.
Genome position (GRCh38, 1-based): chr13:51,968,497-51,968,503, CAAAACC deleted on the plus strand (GGTTTTG on the coding strand, the reverse complement: ATP7B is on the minus strand); deleting any 7 consecutive bases within chr13:51,968,497-51,968,505 gives the same sequence; the c. name uses the placement nearest the transcript's 3' end. VCF-style (leftmost placement, unchanged base first): chr13-51968496-TCAAAACC-T. GRCh37 (hg19) VCF-style: chr13-52542632-TCAAAACC-T.
Other names: c.1648_1654del, p.Gly550fs (NM_001330579.2, NM_001005918.3, NM_001330578.2); c.1315_1321del, p.Gly439fs (NM_001243182.2); short protein forms G439fs, G550fs.
Identifiers: ClinVar variation 996299 (VCV000996299.3), dbSNP rs1951680623, ClinGen allele CA2091561815.

ClinVar aggregate classification (germline): Pathogenic. Review status: criteria provided, multiple submitters, no conflicts (2 of 4 stars). 3 submissions from 3 submitters: Pathogenic (3). Last evaluated 2024-05-04.

Conditions:
Wilson disease (WND). Also called: Wilson's disease. Identifiers: Orphanet 905, MedGen C0019202, MONDO:0010200, OMIM 277900. Disease mechanism: loss of function.

Submissions (3):

Fulgent Genetics
Classification: Pathogenic for Wilson disease. Last evaluated: 2024-05-04. Review status: criteria provided, single submitter. Criteria: ACMG Guidelines, 2015. Collection method: clinical testing. Allele origin: germline.

3billion
Classification: Pathogenic for Wilson disease. Last evaluated: 2023-10-23. Review status: criteria provided, single submitter. Criteria: ACMG Guidelines, 2015. Collection method: clinical testing. Allele origin: germline. Affected: yes.
Comment: The variant is not observed in the gnomAD v2.1.1 dataset. Predicted Consequence/Location: Frameshift: predicted to result in a loss or disruption of normal protein function through nonsense-mediated decay (NMD) or protein truncation. Multiple pathogenic variants are reported downstream of the variant. The variant has been reported to be associated with ATP7B related disorder (ClinVar ID: VCV000996299 /PMID: 15524314). Therefore, this variant is classified as Pathogenic according to the recommendation of ACMG/AMP guideline.

Women's Health and Genetics/Laboratory Corporation of America, LabCorp
Classification: Pathogenic for Wilson disease. Last evaluated: 2021-01-21. Review status: criteria provided, single submitter. Criteria: LabCorp Variant Classification Summary - May 2015. Collection method: clinical testing. Allele origin: germline.
Comment: Variant summary: ATP7B c.1648_1654delGGTTTTG (p.Gly550ArgfsX17) results in a premature termination codon, predicted to cause a truncation of the encoded protein or absence of the protein due to nonsense mediated decay, which are commonly known mechanisms for disease. Truncations downstream of this position have been classified as pathogenic by our laboratory. The variant was absent in 249512 control chromosomes. c.1648_1654delGGTTTTG has been reported in the literature in individuals affected with Wilson Disease and has been subsequently cited by others (example, Fan_2004, Lee_2011, Liu_2018, Singh_2019). These data indicate that the variant is likely to be associated with disease. To our knowledge, no experimental evidence demonstrating an impact on protein function has been reported. No clinical diagnostic laboratories have submitted clinical-significance assessments for this variant to ClinVar after 2014. Based on the evidence outlined above, the variant was classified as pathogenic.

Literature cited by the submitters: PubMed 15524314 (cited by 3billion and Women's Health and Genetics/Laboratory Corporation of America, LabCorp); PubMed 21645214 (cited by Women's Health and Genetics/Laboratory Corporation of America, LabCorp); PubMed 29649982 (cited by Women's Health and Genetics/Laboratory Corporation of America, LabCorp); PubMed 31059521 (cited by Women's Health and Genetics/Laboratory Corporation of America, LabCorp).